The following is an entry in ClinVar:

NM_001940.4(ATN1):c.1865C>G (p.Ala622Gly)

Gene: ATN1 (atrophin 1; plus strand). Cytogenetic location: 12p13.31.
Variant type: single nucleotide variant.
Coding change: c.1865C>G on transcript NM_001940.4 (MANE Select); coding-DNA position 1865, C replaced by G.
Protein change: p.Ala622Gly; replaces alanine 622 with glycine.
Molecular consequence: missense variant.
Genome position (GRCh38, 1-based): chr12:6,937,132, C>G. VCF-style: chr12-6937132-C-G. GRCh37 (hg19) VCF-style: chr12-7046295-C-G.
Other names: c.1865C>G (NM_001007026.1); c.1865C>G, p.Ala622Gly (NM_001007026.2); short protein forms A622G.
Identifiers: ClinVar variation 1690746 (VCV001690746.15), dbSNP rs150801397, ClinGen allele CA6420729.

ClinVar aggregate classification (germline): Conflicting classifications of pathogenicity. Review status: criteria provided, conflicting classifications (1 of 4 stars). 4 submissions from 4 submitters: Uncertain significance (1); Benign (1); Likely benign (2). Last evaluated 2025-03-01.

Conditions:
Inborn genetic diseases. Identifiers: MedGen C0950123, MeSH D030342.

Allele frequency attached by ClinVar (database versions not stated): 1000 Genomes Project 30x 0.00016; 1000 Genomes Project 0.00020; ExAC 0.00033; gnomAD exomes 0.00033; TOPMed 0.00040; ESP Exome Variant Server 0.00046; gnomAD 0.00050 and 0.00051.
gnomAD v4.1: 1,221 of 1,611,616 alleles (0.076%); highest among the groups gnomAD compares: Non-Finnish European, 0.097%; no homozygotes.

Submissions (4):

CeGaT Center for Human Genetics Tuebingen
Classification: Likely benign. Last evaluated: 2025-03-01. Review status: criteria provided, single submitter. Criteria: CeGaT Center For Human Genetics Tuebingen Variant Classification Criteria Version 2. Collection method: clinical testing. Allele origin: germline. Affected: yes. Observed: 1 variant allele.
Comment: ATN1: BS1

Ambry Genetics
Classification: Likely benign for Inborn genetic diseases. Last evaluated: 2022-01-26. Review status: criteria provided, single submitter. Criteria: Ambry Variant Classification Scheme 2023. Collection method: clinical testing. Allele origin: germline.

Laboratorio de Genetica e Diagnostico Molecular, Hospital Israelita Albert Einstein
Classification: Benign. Last evaluated: 2019-12-16. Review status: criteria provided, single submitter. Criteria: ACMG Guidelines, 2015. Collection method: clinical testing. Allele origin: germline. Affected: yes.
Comment: ACMG classification criteria: BS1, BS2, BP4

Revvity Omics, Revvity
Classification: Uncertain significance. Last evaluated: 2019-11-02. Review status: criteria provided, single submitter. Criteria: ACMG Guidelines, 2015. Collection method: clinical testing. Allele origin: germline.